The following is an entry in ClinVar:

NM_004260.4(RECQL4):c.1705-7C>A

Gene: RECQL4 (RecQ like helicase 4; minus strand). Cytogenetic location: 8q24.3.
Variant type: single nucleotide variant.
Coding change: c.1705-7C>A on transcript NM_004260.4 (MANE Select); 7 bases into the intron before coding-DNA position 1705, C replaced by A.
Molecular consequence: intron variant.
Genome position (GRCh38, 1-based): chr8:144,514,369, G>T on the plus strand (C>A on the coding strand, the complement: RECQL4 is on the minus strand). VCF-style: chr8-144514369-G-T. GRCh37 (hg19) VCF-style: chr8-145739753-G-T.
Identifiers: ClinVar variation 639299 (VCV000639299.5), dbSNP rs1377388737, ClinGen allele CA586165491.

ClinVar aggregate classification (germline): Uncertain significance (1 of 4 stars; one submission).

Conditions:
Baller-Gerold syndrome (BGS). Also called: CRANIOSYNOSTOSIS WITH RADIAL DEFECTS. Identifiers: Orphanet 1225, MedGen C0265308, MONDO:0009039, OMIM 218600.

Allele frequency attached by ClinVar (database versions not stated): gnomAD exomes below 0.00001.
gnomAD v4.1: 1 of 1,599,934 alleles (0.000063%); highest among the groups gnomAD compares: African/African-American, 0.0013%; no homozygotes.

Submission:

Labcorp Genetics (formerly Invitae), Labcorp
Classification: Uncertain significance for Baller-Gerold syndrome. Last evaluated: 2018-12-01. Review status: criteria provided, single submitter. Criteria: Invitae Variant Classification Sherloc (09022015). Collection method: clinical testing. Allele origin: germline.
Comment: In summary, the available evidence is currently insufficient to determine the role of this variant in disease. Therefore, it has been classified as a Variant of Uncertain Significance. Algorithms developed to predict the effect of sequence changes on RNA splicing suggest that this variant may disrupt the consensus splice site, but this prediction has not been confirmed by published transcriptional studies. This variant has not been reported in the literature in individuals with RECQL4-related conditions. This variant is not present in population databases (ExAC no frequency). This sequence change falls in intron 10 of the RECQL4 gene. It does not directly change the encoded amino acid sequence of the RECQL4 protein.